The following is an entry in ClinVar:

ClinVar aggregate classification (germline): Uncertain significance (1 of 4 stars; one submission).

Conditions:
Hereditary hyperekplexia. Identifiers: Orphanet 3197, MedGen C4084968, MONDO:0021022.

gnomAD v4.1: 4 of 1,614,032 alleles (0.00025%); highest among the groups gnomAD compares: Non-Finnish European, 0.00034%; no homozygotes.

Submission:

Labcorp Genetics (formerly Invitae), Labcorp
Classification: Uncertain significance for Hereditary hyperekplexia. Last evaluated: 2026-01-04. Review status: criteria provided, single submitter. Criteria: Invitae Variant Classification Sherloc (09022015). Collection method: clinical testing. Allele origin: germline.
Comment: This sequence change replaces tryptophan, which is neutral and slightly polar, with cysteine, which is neutral and slightly polar, at codon 314 of the GLRA1 protein (p.Trp314Cys). This variant is not present in population databases (gnomAD no frequency). This variant has not been reported in the literature in individuals affected with GLRA1-related conditions. ClinVar contains an entry for this variant (Variation ID: 1464682). Invitae Evidence Modeling of protein sequence and biophysical properties (such as structural, functional, and spatial information, amino acid conservation, physicochemical variation, residue mobility, and thermodynamic stability) indicates that this missense variant is expected to disrupt GLRA1 protein function with a positive predictive value of 80%. In summary, the available evidence is currently insufficient to determine the role of this variant in disease. Therefore, it has been classified as a Variant of Uncertain Significance.

NM_000171.4(GLRA1):c.942G>C (p.Trp314Cys)

Gene: GLRA1 (glycine receptor alpha 1; minus strand). Cytogenetic location: 5q33.1.
Variant type: single nucleotide variant.
Coding change: c.942G>C on transcript NM_000171.4 (MANE Select); coding-DNA position 942, G replaced by C.
Protein change: p.Trp314Cys; replaces tryptophan 314 with cysteine.
Molecular consequence: missense variant.
Genome position (GRCh38, 1-based): chr5:151,829,038, C>G on the plus strand (G>C on the coding strand, the complement: GLRA1 is on the minus strand). VCF-style: chr5-151829038-C-G. GRCh37 (hg19) VCF-style: chr5-151208599-C-G.
Other names: c.942G>C, p.Trp314Cys (NM_001146040.2); c.693G>C, p.Trp231Cys (NM_001292000.2); short protein forms W314C, W231C.
Identifiers: ClinVar variation 1464682 (VCV001464682.6), dbSNP rs867618642, ClinGen allele CA361851816.